The following is an entry in ClinVar:

ClinVar aggregate classification (germline): Likely pathogenic. Review status: criteria provided, multiple submitters, no conflicts (2 of 4 stars). 2 submissions from 2 submitters: Likely pathogenic (2). Last evaluated 2025-08-01.

Conditions:
Autosomal recessive polycystic kidney disease (ARPKD). Also called: AR polycystic kidney disease. Identifiers: Orphanet 731, Orphanet 8378, MedGen C0085548, MeSH D017044, MONDO:0009889.
Polycystic kidney disease 4 (PKD4). Also called: Autosomal Recessive Polycystic Kidney Disease – PKHD1; PKD3; POLYCYSTIC KIDNEY AND HEPATIC DISEASE 1; POLYCYSTIC KIDNEY DISEASE, INFANTILE, TYPE I; POLYCYSTIC KIDNEY DISEASE 4 WITH OR WITHOUT POLYCYSTIC LIVER DISEASE. Identifiers: MedGen C4540575, MONDO:0033004, OMIM 263200.

Submissions (2):

Natera, Inc.
Classification: Likely pathogenic for Autosomal recessive polycystic kidney disease. Last evaluated: 2025-08-01. Review status: criteria provided, single submitter. Criteria: Natera Variant Classification Schema (03/2026). Collection method: clinical testing. Allele origin: germline.
Comment: The c.8670G>A variant in PKHD1 is a nonsense variant predicted to introduce a stop codon at amino acid 2890. This variant is expected to result in nonsense mediated decay, truncation, or a dysfunctional protein product. This variant is rare in the general population with a frequency below the threshold expected for the associated phenotype(s). Given the available evidence, this variant is classified as Likely Pathogenic.

Fulgent Genetics
Classification: Likely pathogenic for Polycystic kidney disease 4. Last evaluated: 2024-03-29. Review status: criteria provided, single submitter. Criteria: ACMG Guidelines, 2015. Collection method: clinical testing. Allele origin: germline.

NM_138694.4(PKHD1):c.8670G>A (p.Trp2890Ter)

Gene: PKHD1 (PKHD1 ciliary IPT domain containing fibrocystin/polyductin; minus strand). Cytogenetic location: 6p12.3.
Variant type: single nucleotide variant.
Coding change: c.8670G>A on transcript NM_138694.4 (MANE Select); coding-DNA position 8670, G replaced by A.
Protein change: p.Trp2890Ter; replaces tryptophan 2890 with a stop codon.
Molecular consequence: nonsense.
Genome position (GRCh38, 1-based): chr6:51,754,911, C>T on the plus strand (G>A on the coding strand, the complement: PKHD1 is on the minus strand). VCF-style: chr6-51754911-C-T. GRCh37 (hg19) VCF-style: chr6-51619709-C-T.
Other names: c.8670G>A, p.Trp2890Ter (NM_170724.3); c.8670G>A (NM_138694.3); short protein forms W2890*.
Identifiers: ClinVar variation 3593794 (VCV003593794.2).